The following is an entry in ClinVar:

NM_004082.5(DCTN1):c.2927T>C (p.Leu976Pro)

Gene: DCTN1 (dynactin subunit 1; minus strand). Cytogenetic location: 2p13.1.
Variant type: single nucleotide variant.
Coding change: c.2927T>C on transcript NM_004082.5 (MANE Select); coding-DNA position 2927, T replaced by C.
Protein change: p.Leu976Pro; replaces leucine 976 with proline.
Molecular consequence: missense variant. On other transcripts: non-coding transcript variant (1).
Genome position (GRCh38, 1-based): chr2:74,365,617, A>G on the plus strand (T>C on the coding strand, the complement: DCTN1 is on the minus strand). VCF-style: chr2-74365617-A-G. GRCh37 (hg19) VCF-style: chr2-74592744-A-G.
Other names: c.2876T>C, p.Leu959Pro (NM_001378991.1); c.2858T>C, p.Leu953Pro (NM_001378992.1); c.2525T>C, p.Leu842Pro (NM_023019.4, NM_001135041.3); c.2867T>C, p.Leu956Pro (NM_001135040.3); c.2816T>C, p.Leu939Pro (NM_001190836.2); c.2906T>C, p.Leu969Pro (NM_001190837.2); short protein forms L842P, L939P, L953P, L969P, L956P, L976P, L959P.
Identifiers: ClinVar variation 2123176 (VCV002123176.4), dbSNP rs2529104981, ClinGen allele CA347341794.
Genomic context (GRCh38, chr2:74,365,617, plus strand): 5'-GTCTGGACTTTCTCGATGCGCTCATCTGCATCCTTGGCAGCACTGTCCAACTTCTTCTCC[A>G]GGAGGCTCAGCCGCACATTGGCCTCACTTAGCTCCTCTCCCTGGACAAGGACAGAACTTC-3'
Protein context (NP_004073.2, residues 966-986): LSEANVRLSL[Leu976Pro]EKKLDSAAKD

ClinVar aggregate classification (germline): Uncertain significance (1 of 4 stars; one submission).

Conditions:
Amyotrophic lateral sclerosis type 1 (ALS1). Also called: AMYOTROPHIC LATERAL SCLEROSIS 1, FAMILIAL. Identifiers: Orphanet 803, MedGen C1862939, MONDO:0007103, OMIM 105400.
Perry syndrome. Also called: PARKINSONISM WITH ALVEOLAR HYPOVENTILATION AND MENTAL DEPRESSION. Identifiers: Orphanet 178509, MedGen C1868594, MONDO:0008201, OMIM 168605.
Neuronopathy, distal hereditary motor, type 7B. Also called: NEURONOPATHY, DISTAL HEREDITARY MOTOR, AUTOSOMAL DOMINANT 14; NEURONOPATHY, DISTAL HEREDITARY MOTOR, HARDING TYPE VIIB; NEUROPATHY, DISTAL HEREDITARY MOTOR, HARDING TYPE VIIB; NEUROPATHY, DISTAL HEREDITARY MOTOR, WITH VOCAL CORD PARALYSIS, HARDING TYPE VIIB; Distal Hereditary Motor Neuronopathy Type 7B (dHMN7B); HMN VIIB. Identifiers: Orphanet 139589, MedGen C1843315, MONDO:0011879, OMIM 607641.

Submission:

Labcorp Genetics (formerly Invitae), Labcorp
Classification: Uncertain significance for Amyotrophic lateral sclerosis type 1; Neuronopathy, distal hereditary motor, type 7B; Perry syndrome. Last evaluated: 2022-04-08. Review status: criteria provided, single submitter. Criteria: Invitae Variant Classification Sherloc (09022015). Collection method: clinical testing. Allele origin: germline.
Comment: This sequence change replaces leucine, which is neutral and non-polar, with proline, which is neutral and non-polar, at codon 976 of the DCTN1 protein (p.Leu976Pro). In summary, the available evidence is currently insufficient to determine the role of this variant in disease. Therefore, it has been classified as a Variant of Uncertain Significance. Algorithms developed to predict the effect of missense changes on protein structure and function (SIFT, PolyPhen-2, Align-GVGD) all suggest that this variant is likely to be disruptive. This variant has not been reported in the literature in individuals affected with DCTN1-related conditions. This variant is not present in population databases (gnomAD no frequency).